The following is an entry in ClinVar:

ClinVar aggregate classification (germline): Conflicting classifications of pathogenicity. Review status: criteria provided, conflicting classifications (1 of 4 stars). 8 submissions from 8 submitters: Pathogenic (1); Uncertain significance (4). 3 of the submissions do not count toward it. Last evaluated 2024-11-19.

Conditions:
EYS-related disorder. Also called: EYS-related condition.
Retinitis pigmentosa 25 (RP25). Identifiers: Orphanet 791, MedGen C1864446, MONDO:0011272, OMIM 602772.
Retinitis pigmentosa (RP). Identifiers: Orphanet 791, MedGen C0035334, MeSH D012174, MONDO:0019200, OMIM 268000. Inheritance: Autosomal dominant, autosomal recessive and X linked inheritance.
Retinal dystrophy. Also called: Inherited retinal dystrophy. Identifiers: Orphanet 71862, MedGen C0854723, MeSH D058499, MONDO:0019118, HP:0000556.

Allele frequency attached by ClinVar (database versions not stated): gnomAD 0.00001; gnomAD exomes 0.00001.
gnomAD v4.1: 36 of 1,538,096 alleles (0.0023%); highest among the groups gnomAD compares: Non-Finnish European, 0.003%; no homozygotes.

Submissions (8):

Blueprint Genetics
Classification: Pathogenic for EYS-related disorders. Last evaluated: 2024-11-19. Review status: criteria provided, single submitter. Criteria: ACMG Guidelines, 2015. Collection method: clinical testing. Allele origin: germline. Affected: yes. Observed: 5 variant alleles.

Women's Health and Genetics/Laboratory Corporation of America, LabCorp
Classification: Uncertain significance. Last evaluated: 2023-08-22. Review status: criteria provided, single submitter. Criteria: LabCorp Variant Classification Summary - May 2015. Collection method: clinical testing. Allele origin: germline.
Comment: Variant summary: EYS c.6047G>A (p.Gly2016Asp) results in a non-conservative amino acid change located in the Laminin G domain of the encoded protein sequence. Three of four in-silico tools predict a damaging effect of the variant on protein function. The variant allele was found at a frequency of 6.8e-06 in 146184 control chromosomes. The available data on variant occurrences in the general population are insufficient to allow any conclusion about variant significance. c.6047G>A has been reported in the literature in individuals affected with Retinitis Pigmentosa (eg. Colombo_2021). These data do not allow any conclusion about variant significance. To our knowledge, no experimental evidence demonstrating an impact on protein function has been reported. The following publication have been ascertained in the context of this evaluation (PMID: 33576794). Three submitters have cited clinical-significance assessments for this variant to ClinVar after 2014. All submitters classified the variant as uncertain significance. Based on the evidence outlined above, the variant was classified as uncertain significance.

Labcorp Genetics (formerly Invitae), Labcorp
Classification: Uncertain significance. Last evaluated: 2022-10-13. Review status: criteria provided, single submitter. Criteria: Invitae Variant Classification Sherloc (09022015). Collection method: clinical testing. Allele origin: germline.
Comment: This sequence change replaces glycine, which is neutral and non-polar, with aspartic acid, which is acidic and polar, at codon 2016 of the EYS protein (p.Gly2016Asp). This variant is not present in population databases (gnomAD no frequency). This missense change has been observed in individuals with retinitis pigmentosa (PMID: 33576794). ClinVar contains an entry for this variant (Variation ID: 357701). Advanced modeling of protein sequence and biophysical properties (such as structural, functional, and spatial information, amino acid conservation, physicochemical variation, residue mobility, and thermodynamic stability) has been performed at Invitae for this missense variant, however the output from this modeling did not meet the statistical confidence thresholds required to predict the impact of this variant on EYS protein function. In summary, the available evidence is currently insufficient to determine the role of this variant in disease. Therefore, it has been classified as a Variant of Uncertain Significance.

Institute of Human Genetics, Univ. Regensburg, Univ. Regensburg
Classification: Uncertain significance for Retinal dystrophy. Last evaluated: 2022-01-01. Review status: criteria provided, single submitter. Criteria: ACMG Guidelines, 2015. Collection method: clinical testing. Allele origin: germline. Affected: yes.

Illumina Laboratory Services, Illumina
Classification: Uncertain significance for Retinitis pigmentosa. Last evaluated: 2018-01-12. Review status: criteria provided, single submitter. Criteria: ICSL Variant Classification Criteria 13 December 2019. Collection method: clinical testing. Allele origin: germline.

Natera, Inc.
Classification: Uncertain significance for Retinitis pigmentosa type 25. Last evaluated: 2021-03-01. Review status: no assertion criteria provided. Collection method: clinical testing. Allele origin: germline. Not counted in ClinVar's aggregate classification.

Clinical Genetics DNA and cytogenetics Diagnostics Lab, Erasmus MC, Erasmus Medical Center
Classification: Uncertain significance. Review status: no assertion criteria provided. Collection method: clinical testing. Allele origin: germline. Affected: yes. Study: VKGL Data-share Consensus. Not counted in ClinVar's aggregate classification.

Clinical Genetics, Academic Medical Center
Classification: Uncertain significance. Review status: no assertion criteria provided. Collection method: clinical testing. Allele origin: germline. Affected: yes. Study: VKGL Data-share Consensus. Not counted in ClinVar's aggregate classification.

Literature cited by the submitters: PubMed 33576794 (cited by 3 submitters).

NM_001142800.2(EYS):c.6047G>A (p.Gly2016Asp)

Gene: EYS (EGF-like photoreceptor maintenance factor; minus strand). Cytogenetic location: 6q12.
Variant type: single nucleotide variant.
Coding change: c.6047G>A on transcript NM_001142800.2 (MANE Select); coding-DNA position 6047, G replaced by A.
Protein change: p.Gly2016Asp; replaces glycine 2016 with aspartic acid.
Molecular consequence: missense variant.
Genome position (GRCh38, 1-based): chr6:64,388,721, C>T on the plus strand (G>A on the coding strand, the complement: EYS is on the minus strand). VCF-style: chr6-64388721-C-T. GRCh37 (hg19) VCF-style: chr6-65098614-C-T.
Other names: c.6047G>A, p.Gly2016Asp (NM_001292009.2); short protein forms G2016D.
Identifiers: ClinVar variation 357701 (VCV000357701.15), dbSNP rs886061672, ClinGen allele CA10627407.